The following is an entry in ClinVar:

ClinVar aggregate classification (germline): Conflicting classifications of pathogenicity. Review status: criteria provided, conflicting classifications (1 of 4 stars). 5 submissions from 5 submitters: Pathogenic (2); Likely pathogenic (1); Uncertain significance (2). Last evaluated 2026-03-03.

Conditions:
Breast-ovarian cancer, familial, susceptibility to, 1 (BROVCA1). Also called: BRCA1 Hereditary Breast and Ovarian Cancer; OVARIAN CANCER, SUSCEPTIBILITY TO. Identifiers: Orphanet 145, MedGen C2676676, MONDO:0011450, OMIM 604370. Disease mechanism: loss of function.
Hereditary breast ovarian cancer syndrome. Also called: Hereditary breast and ovarian cancer; Hereditary breast and ovarian cancer syndrome; Hereditary breast and ovarian cancer syndrome (HBOC); Breast and ovarian cancer; BRCA1- and BRCA2-Associated Hereditary Breast and Ovarian Cancer; Hereditary breast and/or ovarian cancer syndrome. Identifiers: Orphanet 145, MedGen C0677776, MeSH D061325, MONDO:0003582. Disease mechanism: loss of function.
Hereditary cancer-predisposing syndrome. Also called: Tumor predisposition; Neoplastic Syndromes, Hereditary; Hereditary Cancer Syndrome; Hereditary neoplastic syndrome. Identifiers: Orphanet 140162, MedGen C0027672, MeSH D009386, MONDO:0015356.

Submissions (6):

Ambry Genetics
Classification: Pathogenic for Hereditary cancer-predisposing syndrome. Last evaluated: 2026-03-03. Review status: criteria provided, single submitter. Criteria: Ambry Variant Classification Scheme 2023. Collection method: clinical testing. Allele origin: germline.
Comment: The p.H1686P pathogenic mutation (also known as c.5057A>C), located in coding exon 15 of the BRCA1 gene, results from an A to C substitution at nucleotide position 5057. The histidine at codon 1686 is replaced by proline, an amino acid with similar properties. In multiple assays testing BRCA1 function, this variant showed functionally abnormal results (Findlay GM et al. Nature, 2018 Oct;562:217-222; Adamovich AI et al. Am J Hum Genet, 2022 Apr;109:618-630). Other variant(s) at the same codon, p.H1686R (c.5057A>G), p.H1686Q (c.5058T>A), demonstrate an abnormal result in a functional assay (Ambry internal data). This amino acid position is highly conserved in available vertebrate species. In addition, this alteration is predicted to be deleterious by in silico analysis. This variant is considered to be rare based on population cohorts in the Genome Aggregation Database (gnomAD). Based on the supporting evidence, this variant is interpreted as a disease-causing mutation.

Myriad Genetics, Inc.
Classification: Pathogenic for Breast-ovarian cancer, familial, susceptibility to, 1. Last evaluated: 2026-01-27. Review status: criteria provided, single submitter. Criteria: Myriad Autosomal Dominant, Autosomal Recessive and X-Linked Classification Criteria (2023). Collection method: clinical testing. Allele origin: unknown.
Comment: This variant is considered pathogenic. This variant is expected to disrupt protein structure [Myriad internal data]. Functional studies indicate this variant impacts protein function [PMID: 30209399]. This variant is strongly associated with more severe personal and family histories of cancer, typical for individuals with pathogenic variants in this gene [PMID: 25085752].

Labcorp Genetics (formerly Invitae), Labcorp
Classification: Likely pathogenic for Hereditary breast ovarian cancer syndrome. Last evaluated: 2024-10-15. Review status: criteria provided, single submitter. Criteria: Invitae Variant Classification Sherloc (09022015). Collection method: clinical testing. Allele origin: germline.
Comment: This sequence change replaces histidine, which is basic and polar, with proline, which is neutral and non-polar, at codon 1686 of the BRCA1 protein (p.His1686Pro). This variant is not present in population databases (gnomAD no frequency). This missense change has been observed in individual(s) with hereditary breast and/or ovarian cancer (PMID: 31159747). ClinVar contains an entry for this variant (Variation ID: 584509). Invitae Evidence Modeling incorporating data from in vitro experimental studies (PMID: 30209399) indicates that this missense variant is expected to disrupt BRCA1 function with a positive predictive value of 95%. This variant disrupts the p.His1686 amino acid residue in BRCA1. Other variant(s) that disrupt this residue have been determined to be pathogenic (PMID: 30209399). This suggests that this residue is clinically significant, and that variants that disrupt this residue are likely to be disease-causing. In summary, the currently available evidence indicates that the variant is pathogenic, but additional data are needed to prove that conclusively. Therefore, this variant has been classified as Likely Pathogenic.

GeneKor MSA
Classification: Uncertain significance for Hereditary cancer-predisposing syndrome. Last evaluated: 2018-08-01. Review status: criteria provided, single submitter. Criteria: ACMG Guidelines, 2015. Collection method: clinical testing. Allele origin: germline.

Neuberg Centre For Genomic Medicine, NCGM
Classification: Uncertain significance for Breast-ovarian cancer, familial, susceptibility to, 1. Review status: criteria provided, single submitter. Criteria: ACMG Guidelines, 2015. Collection method: clinical testing. Allele origin: germline. Inheritance: Autosomal dominant inheritance. Affected: yes.
Comment: The missense c.5057A>C p.His1686Pro variant in BRCA1 gene has not been reported previously as a pathogenic variant nor as a benign variant, to our knowledge. The p.His1686Pro variant is novel not in any individuals in gnomAD Exomes and 1000 Genomes. This variant has been reported to the ClinVar database as Uncertain Significance. The amino acid change p.His1686Pro in BRCA1 is predicted as conserved by GERP++ and PhyloP across 100 vertebrates. The amino acid His at position 1686 is changed to a Pro changing protein sequence and it might alter its composition and physico-chemical properties. For these reasons, this variant has been classified as Variant of Uncertain Significance VUS.

Brotman Baty Institute, University of Washington
No classification provided (evidence only). Condition: Breast-ovarian cancer, familial 1. Review status: no classification provided. Collection method: in vitro. Allele origin: not applicable. Functional consequence: functionally_abnormal. Not counted in ClinVar's aggregate classification.
ClinVar note: "not provided" was previously submitted as the classification for the variant. However, the classification appeared to be based only on an observation of functional data so it was converted to no classification on 2025-07-30.

Literature cited by the submitters: PubMed 30209399 (cited by 3 submitters); PubMed 35196514 (cited by Ambry Genetics); PubMed 25085752 (cited by Myriad Genetics, Inc.); PubMed 31159747 (cited by Labcorp Genetics (formerly Invitae), Labcorp).

NM_007294.4(BRCA1):c.5057A>C (p.His1686Pro)

Gene: BRCA1 (BRCA1 DNA repair associated; minus strand). Cytogenetic location: 17q21.31.
Variant type: single nucleotide variant.
Coding change: c.5057A>C on transcript NM_007294.4 (MANE Select); coding-DNA position 5057, A replaced by C.
Protein change: p.His1686Pro; replaces histidine 1686 with proline.
Molecular consequence: missense variant. On other transcripts: non-coding transcript variant (1).
Genome position (GRCh38, 1-based): chr17:43,067,625, T>G on the plus strand (A>C on the coding strand, the complement: BRCA1 is on the minus strand). VCF-style: chr17-43067625-T-G. GRCh37 (hg19) VCF-style: chr17-41219642-T-G.
Other names: c.5000A>C, p.His1667Pro (NM_001407648.1); c.4997A>C, p.His1666Pro (NM_001407649.1); c.5057A>C, p.His1686Pro (NM_001407652.1, NM_001407593.1, NM_001407594.1 and 8 more transcripts); c.4979A>C, p.His1660Pro (NM_001407653.1, NM_001407654.1, NM_001407655.1); c.4976A>C, p.His1659Pro (NM_001407656.1, NM_001407657.1, NM_001407658.1); c.4934A>C, p.His1645Pro (NM_001407668.1, NM_001407669.1, NM_001407919.1 and 6 more transcripts); c.4931A>C, p.His1644Pro (NM_001407670.1, NM_001407671.1, NM_001407672.1 and 11 more transcripts); c.4928A>C, p.His1643Pro (NM_001407687.1, NM_001407688.1, NM_001407689.1 and 6 more transcripts); and 70 more; short protein forms H1686P, H582P, H1707P, H1639P, H1389P, H1532P, H1558P, H1559P.
Identifiers: ClinVar variation 584509 (VCV000584509.10), dbSNP rs730882166, ClinGen allele CA10591406.